The following is an entry in ClinVar:

NM_001256545.2(MEGF10):c.917G>C (p.Arg306Pro)

Gene: MEGF10 (multiple EGF like domains 10; plus strand). Cytogenetic location: 5q23.2.
Variant type: single nucleotide variant.
Coding change: c.917G>C on transcript NM_001256545.2 (MANE Select); coding-DNA position 917, G replaced by C.
Protein change: p.Arg306Pro; replaces arginine 306 with proline.
Molecular consequence: missense variant.
Genome position (GRCh38, 1-based): chr5:127,402,682, G>C. VCF-style: chr5-127402682-G-C. GRCh37 (hg19) VCF-style: chr5-126738374-G-C.
Other names: c.917G>C, p.Arg306Pro (NM_001308119.2, NM_001308121.2, NM_032446.3); short protein forms R306P.
Identifiers: ClinVar variation 1948946 (VCV001948946.5), dbSNP rs986353158, ClinGen allele CA360723016.

ClinVar aggregate classification (germline): Uncertain significance (1 of 4 stars; one submission).

Conditions:
MEGF10-related myopathy (CMYO10A). Also called: Congenital myopathy 10A, severe variant. Identifiers: Orphanet 439212, MedGen C3280679, MONDO:0013731, OMIM 614399.

gnomAD v4.1: 2 of 1,613,808 alleles (0.00012%); highest among the groups gnomAD compares: African/African-American, 0.0013%; no homozygotes.

Submission:

Labcorp Genetics (formerly Invitae), Labcorp
Classification: Uncertain significance for MEGF10-related myopathy. Last evaluated: 2022-06-21. Review status: criteria provided, single submitter. Criteria: Invitae Variant Classification Sherloc (09022015). Collection method: clinical testing. Allele origin: germline.
Comment: In summary, the available evidence is currently insufficient to determine the role of this variant in disease. Therefore, it has been classified as a Variant of Uncertain Significance. Variants that disrupt the consensus splice site are a relatively common cause of aberrant splicing (PMID: 17576681, 9536098). Algorithms developed to predict the effect of sequence changes on RNA splicing suggest that this variant may disrupt the consensus splice site. Algorithms developed to predict the effect of missense changes on protein structure and function (SIFT, PolyPhen-2, Align-GVGD) all suggest that this variant is likely to be disruptive. This variant has not been reported in the literature in individuals affected with MEGF10-related conditions. This variant is not present in population databases (gnomAD no frequency). This sequence change replaces arginine, which is basic and polar, with proline, which is neutral and non-polar, at codon 306 of the MEGF10 protein (p.Arg306Pro). This variant also falls at the last nucleotide of exon 9, which is part of the consensus splice site for this exon.

Literature cited by the submitters: PubMed 17576681; PubMed 9536098.